The following is an entry in ClinVar:

ClinVar aggregate classification (germline): Uncertain significance (1 of 4 stars; one submission).

Submission:

Labcorp Genetics (formerly Invitae), Labcorp
Classification: Uncertain significance. Last evaluated: 2024-09-23. Review status: criteria provided, single submitter. Criteria: Invitae Variant Classification Sherloc (09022015). Collection method: clinical testing. Allele origin: germline.
Comment: This sequence change falls in intron 6 of the ALPL gene. It does not directly change the encoded amino acid sequence of the ALPL protein. This variant is present in population databases (no rsID available, gnomAD 0.0009%). This variant has not been reported in the literature in individuals affected with ALPL-related conditions. Algorithms developed to predict the effect of sequence changes on RNA splicing suggest that this variant may disrupt the consensus splice site. In summary, the available evidence is currently insufficient to determine the role of this variant in disease. Therefore, it has been classified as a Variant of Uncertain Significance.

NM_000478.6(ALPL):c.648+1_648+8dup

Gene: ALPL (alkaline phosphatase, biomineralization associated; plus strand). Cytogenetic location: 1p36.12.
Variant type: Duplication.
Coding change: c.648+1_648+8dup on transcript NM_000478.6 (MANE Select); the canonical splice donor site of the intron after coding-DNA position 648 through 8 bases into the intron after coding-DNA position 648, 8 bases duplicated (GTGAGTGC; older notation c.648+1_648+8dupGTGAGTGC).
Molecular consequence: splice donor variant.
Genome position (GRCh38, 1-based): chr1:21,564,217-21,564,224, GTGAGTGC duplicated; duplicating any 8 consecutive bases within chr1:21,564,216-21,564,224 gives the same sequence; the c. name uses the placement nearest the transcript's 3' end. VCF-style (leftmost placement, unchanged base first): chr1-21564215-A-ACGTGAGTG. GRCh37 (hg19) VCF-style: chr1-21890708-A-ACGTGAGTG.
Other names: c.648+1_648+8dup (NM_001369805.2, NM_001369804.2, NM_001369803.2); c.483+1_483+8dup (NM_001127501.4); c.417+1_417+8dup (NM_001177520.3).
Identifiers: ClinVar variation 3622396 (VCV003622396.2).
Genomic context (GRCh38, chr1:21,564,215, plus strand): 5'-CCTTGAGCCAGGGCTGTAAGGACATCGCCTACCAGCTCATGCATAACATCAGGGACATTG[A>ACGTGAGTG]CGTGAGTGCTCGGGGGCAGCCGGGCAGGGACGGGGTGAGGCGGGGCCTCTGGTGGGCAGG-3'